The following is an entry in ClinVar:

ClinVar aggregate classification (germline): Uncertain significance. Review status: criteria provided, multiple submitters, no conflicts (2 of 4 stars). 2 submissions from 2 submitters: Uncertain significance (2). Last evaluated 2024-06-11.

Conditions:
Charcot-Marie-Tooth disease axonal type 2Z. Also called: CHARCOT-MARIE-TOOTH DISEASE, AXONAL, AUTOSOMAL DOMINANT, TYPE 2Z; CHARCOT-MARIE-TOOTH NEUROPATHY, TYPE 2Z. Identifiers: Orphanet 466768, MedGen C5569025, MONDO:0014736, OMIM 616688.

Submissions (2):

Labcorp Genetics (formerly Invitae), Labcorp
Classification: Uncertain significance for Charcot-Marie-Tooth disease axonal type 2Z. Last evaluated: 2024-06-11. Review status: criteria provided, single submitter. Criteria: Invitae Variant Classification Sherloc (09022015). Collection method: clinical testing. Allele origin: germline.
Comment: This sequence change replaces valine, which is neutral and non-polar, with methionine, which is neutral and non-polar, at codon 143 of the MORC2 protein (p.Val143Met). This variant is not present in population databases (gnomAD no frequency). This variant has not been reported in the literature in individuals affected with MORC2-related conditions. An algorithm developed to predict the effect of missense changes on protein structure and function (PolyPhen-2) suggests that this variant is likely to be disruptive. In summary, the available evidence is currently insufficient to determine the role of this variant in disease. Therefore, it has been classified as a Variant of Uncertain Significance.

Blueprint Genetics
Classification: Uncertain significance. Last evaluated: 2023-11-17. Review status: criteria provided, single submitter. Criteria: ACMG Guidelines, 2015. Collection method: clinical testing. Allele origin: germline.

NM_001303256.3(MORC2):c.427G>A (p.Val143Met)

Gene: MORC2 (MORC family CW-type zinc finger 2; minus strand). Cytogenetic location: 22q12.2.
Variant type: single nucleotide variant.
Coding change: c.427G>A on transcript NM_001303256.3 (MANE Select); coding-DNA position 427, G replaced by A.
Protein change: p.Val143Met; replaces valine 143 with methionine.
Molecular consequence: missense variant.
Genome position (GRCh38, 1-based): chr22:30,942,271, C>T on the plus strand (G>A on the coding strand, the complement: MORC2 is on the minus strand). VCF-style: chr22-30942271-C-T. GRCh37 (hg19) VCF-style: chr22-31338258-C-T.
Other names: c.427G>A, p.Val143Met (NM_001303257.2); c.241G>A, p.Val81Met (NM_014941.3); short protein forms V143M, V81M.
Identifiers: ClinVar variation 3717652 (VCV003717652.3).